The following is an entry in ClinVar:

NM_001165963.4(SCN1A):c.2879T>G (p.Met960Arg)

Gene: SCN1A (sodium voltage-gated channel alpha subunit 1; minus strand). Cytogenetic location: 2q24.3.
Variant type: single nucleotide variant.
Coding change: c.2879T>G on transcript NM_001165963.4 (MANE Select); coding-DNA position 2879, T replaced by G.
Protein change: p.Met960Arg; replaces methionine 960 with arginine.
Molecular consequence: missense variant. On other transcripts: non-coding transcript variant (1).
Genome position (GRCh38, 1-based): chr2:166,037,843, A>C on the plus strand (T>G on the coding strand, the complement: SCN1A is on the minus strand). VCF-style: chr2-166037843-A-C. GRCh37 (hg19) VCF-style: chr2-166894353-A-C.
Other names: c.2795T>G, p.Met932Arg (NM_001165964.3, NM_001353957.2, NM_001353958.2); c.2879T>G, p.Met960Arg (NM_001202435.3, NM_001353948.2); c.2846T>G, p.Met949Arg (NM_001353949.2, NM_001353950.2, NM_001353951.2 and 2 more transcripts); c.2843T>G, p.Met948Arg (NM_001353954.2, NM_001353955.2); c.2792T>G, p.Met931Arg (NM_001353960.2); c.437T>G, p.Met146Arg (NM_001353961.2); short protein forms M949R, M960R, M931R, M948R, M932R, M146R.
Identifiers: ClinVar variation 189858 (VCV000189858.1), dbSNP rs794726708, ClinGen allele CA303122.
Genomic context (GRCh38, chr2:166,037,843, plus strand): 5'-TTTCCAATCACCATGACCATCATGAAGACAGTAAGGCACATGGCTTGACCAGCAACCTCC[A>C]TACAGTCCCACATGGTCTCTATCCACTCCCCACACAGCACGCGGAACACAATCAGGAAGG-3'
Protein context (NP_001159435.1, residues 950-970): GEWIETMWDC[Met960Arg]EVAGQAMCLT

ClinVar aggregate classification (germline): Pathogenic (1 of 4 stars; one submission).

Conditions:
Severe myoclonic epilepsy in infancy (DRVT). Also called: Epileptic encephalopathy, early infantile, 6 (Dravet syndrome); SEVERE MYOCLONIC EPILEPSY OF INFANCY; DEVELOPMENTAL AND EPILEPTIC ENCEPHALOPATHY 6A; Severe Myoclonic Epilepsy in Infancy (SMEI); Dravet syndrome. Identifiers: Orphanet 33069, MedGen C0751122, MONDO:0100135, OMIM 607208.

Submission:

Center for Bioinformatics, Peking University
Classification: Pathogenic for Dravet syndrome. Last evaluated: 2014-12-20. Review status: criteria provided, single submitter. Criteria: Xu et al. (Hum Mutat. 2015). Collection method: research. Allele origin: de novo. Affected: yes. Observed: 1 variant allele. Study: University Clinical Cooperation “985 Project” PKU-2014-1-1.
Comment: Dravet syndrome (DS) probands were recruited from the outpatient and inpatient child neurology units of Peking University First Hospital from 2005 till present. The study was approved by the Ethics Committee of Peking University First Hospital and the Institutional Review Board at Peking University. Participants or their parents provided written informed consent before enrollment. We collected a total of 267 mutations from 255 families with probands diagnosed with DS in China. All probands fulfilled the clinical diagnostic criteria.